The following is an entry in ClinVar:

NM_000277.3(PAH):c.436C>T (p.His146Tyr)

Gene: PAH (phenylalanine hydroxylase; minus strand). Cytogenetic location: 12q23.2.
Variant type: single nucleotide variant.
Coding change: c.436C>T on transcript NM_000277.3 (MANE Select); coding-DNA position 436, C replaced by T.
Protein change: p.His146Tyr; replaces histidine 146 with tyrosine.
Molecular consequence: missense variant.
Genome position (GRCh38, 1-based): chr12:102,877,467, G>A on the plus strand (C>T on the coding strand, the complement: PAH is on the minus strand). VCF-style: chr12-102877467-G-A. GRCh37 (hg19) VCF-style: chr12-103271245-G-A.
Other names: c.436C>T, p.His146Tyr (NM_001354304.2); short protein forms H146Y.
Identifiers: ClinVar variation 102668 (VCV000102668.3), dbSNP rs199475599, ClinGen allele CA229540.

ClinVar aggregate classification (germline): Pathogenic. Review status: criteria provided, single submitter (1 of 4 stars). 2 submissions from 2 submitters: Pathogenic (1). 1 of the submissions does not count toward it. Last evaluated 2026-06-01.

Allele frequency attached by ClinVar (database versions not stated): gnomAD exomes below 0.00001.
gnomAD v4.1: 1 of 1,612,198 alleles (0.000062%); highest among the groups gnomAD compares: Non-Finnish European, 0.000085%; no homozygotes.

Submissions (2):

CeGaT Center for Human Genetics Tuebingen
Classification: Pathogenic. Last evaluated: 2026-06-01. Review status: criteria provided, single submitter. Criteria: CeGaT Center For Human Genetics Tuebingen Variant Classification Criteria Version 2. Collection method: clinical testing. Allele origin: germline. Affected: yes. Observed: 1 variant allele.
Comment: PAH: PM3:Very Strong, PM2, PP3, PP4

DeBelle Laboratory for Biochemical Genetics, MUHC/MCH RESEARCH INSTITUTE
No classification provided. Review status: no classification provided. Collection method: not provided. Allele origin: not provided. Not counted in ClinVar's aggregate classification.